The following is an entry in ClinVar:

ClinVar aggregate classification (germline): Uncertain significance (1 of 4 stars; one submission).

Conditions:
Fanconi anemia (FA). Also called: Fanconi's anemia. Identifiers: Orphanet 84, MedGen C0015625, MeSH D005199, MONDO:0019391.

Submission:

Labcorp Genetics (formerly Invitae), Labcorp
Classification: Uncertain significance for Fanconi anemia. Last evaluated: 2022-03-14. Review status: criteria provided, single submitter. Criteria: Invitae Variant Classification Sherloc (09022015). Collection method: clinical testing. Allele origin: germline.
Comment: In summary, the available evidence is currently insufficient to determine the role of this variant in disease. Therefore, it has been classified as a Variant of Uncertain Significance. This variant has not been reported in the literature in individuals affected with FANCC-related conditions. This variant is not present in population databases (gnomAD no frequency). This variant occurs in a non-coding region of the FANCC gene. It does not change the encoded amino acid sequence of the FANCC protein.

NM_000136.3(FANCC):c.-59T>C

Gene: FANCC (FA complementation group C; minus strand). Cytogenetic location: 9q22.32.
Variant type: single nucleotide variant.
Coding change: c.-59T>C on transcript NM_000136.3 (MANE Select); 59 bases upstream of the start codon, T replaced by C.
Molecular consequence: 5 prime UTR variant.
Genome position (GRCh38, 1-based): chr9:95,249,350, A>G on the plus strand (T>C on the coding strand, the complement: FANCC is on the minus strand). VCF-style: chr9-95249350-A-G. GRCh37 (hg19) VCF-style: chr9-98011632-A-G.
Other names: c.-59T>C (NM_001243743.2, NM_001243744.2).
Identifiers: ClinVar variation 2111729 (VCV002111729.4), dbSNP rs2542865525, ClinGen allele CA2580080721.